The following is an entry in ClinVar:

NM_005228.5(EGFR):c.2093C>T (p.Ala698Val)

Gene: EGFR (epidermal growth factor receptor; plus strand). Cytogenetic location: 7p11.2.
Variant type: single nucleotide variant.
Coding change: c.2093C>T on transcript NM_005228.5 (MANE Select); coding-DNA position 2093, C replaced by T.
Protein change: p.Ala698Val; replaces alanine 698 with valine.
Molecular consequence: missense variant.
Genome position (GRCh38, 1-based): chr7:55,173,952, C>T. VCF-style: chr7-55173952-C-T. GRCh37 (hg19) VCF-style: chr7-55241645-C-T.
Other names: c.1958C>T, p.Ala653Val (NM_001346897.2, NM_001346899.2); c.2093C>T, p.Ala698Val (NM_001346898.2); c.1934C>T, p.Ala645Val (NM_001346900.2); c.1292C>T, p.Ala431Val (NM_001346941.2); short protein forms A431V, A645V, A698V, A653V.
Identifiers: ClinVar variation 3662993 (VCV003662993.2).

ClinVar aggregate classification (germline): Uncertain significance (1 of 4 stars; one submission).

Conditions:
EGFR-related lung cancer (EGFR). Identifiers: MedGen CN130014.

Submission:

Labcorp Genetics (formerly Invitae), Labcorp
Classification: Uncertain significance for EGFR-related lung cancer. Last evaluated: 2024-08-31. Review status: criteria provided, single submitter. Criteria: Invitae Variant Classification Sherloc (09022015). Collection method: clinical testing. Allele origin: germline.
Comment: This sequence change replaces alanine, which is neutral and non-polar, with valine, which is neutral and non-polar, at codon 698 of the EGFR protein (p.Ala698Val). This variant is not present in population databases (gnomAD no frequency). This variant has not been reported in the literature in individuals affected with EGFR-related conditions. Invitae Evidence Modeling of protein sequence and biophysical properties (such as structural, functional, and spatial information, amino acid conservation, physicochemical variation, residue mobility, and thermodynamic stability) indicates that this missense variant is not expected to disrupt EGFR protein function with a negative predictive value of 80%. In summary, the available evidence is currently insufficient to determine the role of this variant in disease. Therefore, it has been classified as a Variant of Uncertain Significance.